The following is an entry in ClinVar:

NM_016507.4(CDK12):c.3146G>T (p.Arg1049Leu)

Gene: CDK12 (cyclin dependent kinase 12; plus strand). Cytogenetic location: 17q12.
Variant type: single nucleotide variant.
Coding change: c.3146G>T on transcript NM_016507.4 (MANE Select); coding-DNA position 3146, G replaced by T.
Protein change: p.Arg1049Leu; replaces arginine 1049 with leucine.
Molecular consequence: missense variant.
Genome position (GRCh38, 1-based): chr17:39,524,724, G>T. VCF-style: chr17-39524724-G-T. GRCh37 (hg19) VCF-style: chr17-37680977-G-T.
Other names: c.3146G>T, p.Arg1049Leu (NM_015083.4); short protein forms R1049L.
Identifiers: ClinVar variation 4224211 (VCV004224211.1).

ClinVar aggregate classification (germline): Uncertain significance (1 of 4 stars; one submission).

Submission:

Ambry Genetics
Classification: Uncertain significance. Last evaluated: 2025-06-22. Review status: criteria provided, single submitter. Criteria: Ambry Variant Classification Scheme 2023. Collection method: clinical testing. Allele origin: germline.
Comment: The p.R1049L variant (also known as c.3146G>T), located in coding exon 12 of the CDK12 gene, results from a G to T substitution at nucleotide position 3146. The arginine at codon 1049 is replaced by leucine, an amino acid with dissimilar properties. This amino acid position is conserved. In addition, the in silico prediction for this alteration is inconclusive. Based on the available evidence, the clinical significance of this variant remains unclear.